The following is an entry in ClinVar:

NM_006060.6(IKZF1):c.1301C>G (p.Ala434Gly)

Gene: IKZF1 (IKAROS family zinc finger 1; plus strand). Cytogenetic location: 7p12.2.
Variant type: single nucleotide variant.
Coding change: c.1301C>G on transcript NM_006060.6 (MANE Select); coding-DNA position 1301, C replaced by G.
Protein change: p.Ala434Gly; replaces alanine 434 with glycine.
Molecular consequence: missense variant.
Genome position (GRCh38, 1-based): chr7:50,400,368, C>G. VCF-style: chr7-50400368-C-G. GRCh37 (hg19) VCF-style: chr7-50468066-C-G.
Other names: c.1175C>G, p.Ala392Gly (NM_001220765.3, NM_001291837.2); c.1010C>G, p.Ala337Gly (NM_001220767.2); c.1040C>G, p.Ala347Gly (NM_001220768.2, NM_001291838.2); c.884C>G, p.Ala295Gly (NM_001220770.2); c.872C>G, p.Ala291Gly (NM_001220771.2, NM_001291841.1); c.914C>G, p.Ala305Gly (NM_001291839.2); c.611C>G, p.Ala204Gly (NM_001291840.1); c.842C>G, p.Ala281Gly (NM_001291842.1); and 3 more; short protein forms A249G, A305G, A337G, A454G, A204G, A281G, A295G, A347G.
Identifiers: ClinVar variation 2152036 (VCV002152036.4), dbSNP rs760920682, ClinGen allele CA367524866.

ClinVar aggregate classification (germline): Uncertain significance (1 of 4 stars; one submission).

gnomAD v4.1: 1 of 1,613,098 alleles (0.000062%); highest among the groups gnomAD compares: East Asian, 0.0022%; no homozygotes.

Submission:

Labcorp Genetics (formerly Invitae), Labcorp
Classification: Uncertain significance. Last evaluated: 2022-09-13. Review status: criteria provided, single submitter. Criteria: Invitae Variant Classification Sherloc (09022015). Collection method: clinical testing. Allele origin: germline.
Comment: In summary, the available evidence is currently insufficient to determine the role of this variant in disease. Therefore, it has been classified as a Variant of Uncertain Significance. Experimental studies have shown that this missense change affects IKZF1 function (PMID: 29681510). Algorithms developed to predict the effect of variants on protein structure and function are not available or were not evaluated for this variant. This missense change has been observed in individual(s) with acute lymphoblastic leukemia (PMID: 29681510). This variant is present in population databases (no rsID available, gnomAD 0.006%). This sequence change replaces alanine, which is neutral and non-polar, with glycine, which is neutral and non-polar, at codon 434 of the IKZF1 protein (p.Ala434Gly).

Literature cited by the submitters: PubMed 29681510.